The following is an entry in ClinVar:

ClinVar aggregate classification (germline): Likely pathogenic (1 of 4 stars; one submission).

Submission:

Labcorp Genetics (formerly Invitae), Labcorp
Classification: Likely pathogenic. Last evaluated: 2025-12-20. Review status: criteria provided, single submitter. Criteria: Invitae Variant Classification Sherloc (09022015). Collection method: clinical testing. Allele origin: germline.
Comment: This sequence change affects an acceptor splice site in intron 7 of the ALPK3 gene. It is expected to disrupt RNA splicing. Variants that disrupt the donor or acceptor splice site typically lead to a loss of protein function (PMID: 16199547), and loss-of-function variants in ALPK3 are known to be pathogenic (PMID: 21441111, 26846950, 27106955, 34263907). This variant is not present in population databases (gnomAD no frequency). This variant has not been reported in the literature in individuals affected with ALPK3-related conditions. ClinVar contains an entry for this variant (Variation ID: 2809532). Algorithms developed to predict the effect of sequence changes on RNA splicing suggest that this variant may disrupt the consensus splice site. In summary, the currently available evidence indicates that the variant is pathogenic, but additional data are needed to prove that conclusively. Therefore, this variant has been classified as Likely Pathogenic.

Literature cited by the submitters: PubMed 16199547; PubMed 21441111; PubMed 26846950; PubMed 27106955; PubMed 34263907.

NM_020778.5(ALPK3):c.3966-2A>T

Gene: ALPK3 (alpha kinase 3; plus strand). Cytogenetic location: 15q25.3.
Variant type: single nucleotide variant.
Coding change: c.3966-2A>T on transcript NM_020778.5 (MANE Select); the canonical splice acceptor site of the intron before coding-DNA position 3966, A replaced by T.
Molecular consequence: splice acceptor variant.
Genome position (GRCh38, 1-based): chr15:84,859,774, A>T. VCF-style: chr15-84859774-A-T. GRCh37 (hg19) VCF-style: chr15-85403005-A-T.
Identifiers: ClinVar variation 2809532 (VCV002809532.3), dbSNP rs2505724668, ClinGen allele CA393361788.
Genomic context (GRCh38, chr15:84,859,774, plus strand): 5'-CGCTTAGGACCACAGTCTGCCCCCATGCCATGGCCCTCACGAGTAGGGTCTCCACTCTGC[A>T]GCGCAGGGGATGAGGGGCCGGCGGCCTTGGCCATCGTGCAGGCCTCCCCCGTAGACTGCG-3'